The following is an entry in ClinVar:

ClinVar aggregate classification (germline): Conflicting classifications of pathogenicity. Review status: criteria provided, conflicting classifications (1 of 4 stars). 7 submissions from 6 submitters: Uncertain significance (2); Benign (2); Likely benign (1). 2 of the submissions do not count toward it. Last evaluated 2026-02-01.

Conditions:
Retinitis pigmentosa (RP). Identifiers: Orphanet 791, MedGen C0035334, MeSH D012174, MONDO:0019200, OMIM 268000. Inheritance: Autosomal dominant, autosomal recessive and X linked inheritance.
Congenital stationary night blindness autosomal dominant 2. Also called: NIGHT BLINDNESS, CONGENITAL STATIONARY, RAMBUSCH TYPE. Identifiers: Orphanet 215, MedGen C1876182, MONDO:0008099, OMIM 163500.

Allele frequency attached by ClinVar (database versions not stated): gnomAD exomes 0.00032 and 0.00066; ESP Exome Variant Server 0.00038; 1000 Genomes Project 0.00040; gnomAD 0.00040 and 0.00041; 1000 Genomes Project 30x 0.00047; ExAC 0.00049; TOPMed 0.00049.
gnomAD v4.1: 597 of 1,613,790 alleles (0.037%); highest among the groups gnomAD compares: Middle Eastern, 0.066%; no homozygotes.

Submissions (7):

Labcorp Genetics (formerly Invitae), Labcorp
Classification: Benign. Last evaluated: 2026-02-01. Review status: criteria provided, single submitter. Criteria: Invitae Variant Classification Sherloc (09022015). Collection method: clinical testing. Allele origin: germline.

Blueprint Genetics
Classification: Likely benign. Last evaluated: 2024-10-22. Review status: criteria provided, single submitter. Criteria: ACMG Guidelines, 2015. Collection method: clinical testing. Allele origin: germline.

Illumina Laboratory Services, Illumina
Classification: Benign for Congenital stationary night blindness autosomal dominant 2. Last evaluated: 2018-01-13. Review status: criteria provided, single submitter. Criteria: ICSL Variant Classification Criteria 13 December 2019. Collection method: clinical testing. Allele origin: germline.
Comment: This variant was observed in the ICSL laboratory as part of a predisposition screen in an ostensibly healthy population. It had not been previously curated by ICSL or reported in the Human Gene Mutation Database (HGMD: prior to June 1st, 2018), and was therefore a candidate for classification through an automated scoring system. Utilizing variant allele frequency, disease prevalence and penetrance estimates, and inheritance mode, an automated score was calculated to assess if this variant is too frequent to cause the disease. Based on the score and internal cut-off values, a variant classified as benign is not then subjected to further curation. The score for this variant resulted in a classification of benign for this disease.

Illumina Laboratory Services, Illumina
Classification: Uncertain significance for Retinitis pigmentosa. Last evaluated: 2018-01-13. Review status: criteria provided, single submitter. Criteria: ICSL Variant Classification Criteria 13 December 2019. Collection method: clinical testing. Allele origin: germline.

Eurofins Ntd Llc (ga)
Classification: Uncertain significance. Last evaluated: 2014-11-23. Review status: criteria provided, single submitter. Criteria: EGL Classification Definitions 2015. Collection method: clinical testing. Allele origin: germline. Observed: 1 variant allele, 1 heterozygote.

Clinical Genetics DNA and cytogenetics Diagnostics Lab, Erasmus MC, Erasmus Medical Center
Classification: Likely benign. Review status: no assertion criteria provided. Collection method: clinical testing. Allele origin: germline. Affected: yes. Study: VKGL Data-share Consensus. Not counted in ClinVar's aggregate classification.

Clinical Genetics, Academic Medical Center
Classification: Benign. Review status: no assertion criteria provided. Collection method: clinical testing. Allele origin: germline. Affected: yes. Study: VKGL Data-share Consensus. Not counted in ClinVar's aggregate classification.

NM_000283.4(PDE6B):c.905G>A (p.Gly302Asp)

Genes: PDE6B-AS1 (PDE6B antisense RNA 1; minus strand), PDE6B (phosphodiesterase 6B; plus strand). Cytogenetic location: 4p16.3.
Variant type: single nucleotide variant.
Coding change: c.905G>A on transcript NM_000283.4 (MANE Select); coding-DNA position 905, G replaced by A.
Protein change: p.Gly302Asp; replaces glycine 302 with aspartic acid.
Molecular consequence: missense variant. On other transcripts: 5 prime UTR variant (1).
Genome position (GRCh38, 1-based): chr4:654,132, G>A. VCF-style: chr4-654132-G-A. GRCh37 (hg19) VCF-style: chr4-647921-G-A.
Other names: c.905G>A, p.Gly302Asp (NM_001145291.2); c.68G>A, p.Gly23Asp (NM_001145292.2, NM_001350154.3, NM_001379246.1 and 1 more transcripts); c.-136G>A (NM_001350155.3); short protein forms G302D, G23D.
Identifiers: ClinVar variation 197654 (VCV000197654.24), dbSNP rs146646008, ClinGen allele CA245910.